The following is an entry in ClinVar:

NM_001130438.3(SPTAN1):c.3155+153G>C

Gene: SPTAN1 (spectrin alpha, non-erythrocytic 1; plus strand). Cytogenetic location: 9q34.11.
Variant type: single nucleotide variant.
Coding change: c.3155+153G>C on transcript NM_001130438.3 (MANE Select); 153 bases into the intron after coding-DNA position 3155, G replaced by C.
Molecular consequence: intron variant.
Genome position (GRCh38, 1-based): chr9:128,591,778, G>C. VCF-style: chr9-128591778-G-C. GRCh37 (hg19) VCF-style: chr9-131354057-G-C.
Other names: c.3155+153G>C (NM_001363759.2, NM_003127.4, NM_001363765.2 and 1 more transcripts).
Identifiers: ClinVar variation 677660 (VCV000677660.1), dbSNP rs76781152, ClinGen allele CA200387385.

ClinVar aggregate classification (germline): Benign (1 of 4 stars; one submission).

Allele frequency attached by ClinVar (database versions not stated): 1000 Genomes Project 0.01997; 1000 Genomes Project 30x 0.02077; gnomAD 0.02114 and 0.02285; TOPMed 0.02475.
gnomAD v4.1: 3,183 of 152,300 alleles (2.1%); highest among the groups gnomAD compares: African/African-American, 7.3%; 114 homozygotes.

Submission:

GeneDx
Classification: Benign. Last evaluated: 2018-06-14. Review status: criteria provided, single submitter. Criteria: GeneDx Variant Classification (06012015). Collection method: clinical testing. Allele origin: germline. Affected: yes.
Comment: This variant is considered likely benign or benign based on one or more of the following criteria: it is a conservative change, it occurs at a poorly conserved position in the protein, it is predicted to be benign by multiple in silico algorithms, and/or has population frequency not consistent with disease.